The following is an entry in ClinVar:

NM_003742.4(ABCB11):c.1101_1102del (p.Val368fs)

Gene: ABCB11 (ATP binding cassette subfamily B member 11; minus strand). Cytogenetic location: 2q31.1.
Variant type: Deletion.
Coding change: c.1101_1102del on transcript NM_003742.4 (MANE Select); coding-DNA positions 1101 to 1102, 2 bases deleted (AG; older notation c.1101_1102delAG).
Protein change: p.Val368fs; shifts the reading frame from valine 368.
Molecular consequence: frameshift variant.
Genome position (GRCh38, 1-based): chr2:168,979,961-168,979,962, CT deleted on the plus strand (AG on the coding strand, the reverse complement: ABCB11 is on the minus strand). VCF-style (leftmost placement, unchanged base first): chr2-168979960-ACT-A. GRCh37 (hg19) VCF-style: chr2-169836470-ACT-A.
Other names: NM_003742.4:c.1101_1102del; short protein forms V368fs.
Identifiers: ClinVar variation 3776869 (VCV003776869.2).
Genomic context (GRCh38, chr2:168,979,960, plus strand): 5'-GCACGTCCAGTTGCAAAGGCTTCCAAACAAGGAGAGGCATTGCCAAGATTTAAAGCTCCT[ACT>A]ATGACACTGAGGAAAATCTGAAATGAAAAGAGAGAGATTTTTCATGTGTTTTTGTTAATG-3'

ClinVar aggregate classification (germline): Pathogenic. Review status: criteria provided, multiple submitters, no conflicts (2 of 4 stars). 2 submissions from 2 submitters: Pathogenic (2). Last evaluated 2026-04-14.

Conditions:
Familial intrahepatic cholestasis. Identifiers: Orphanet 284385, MedGen CN296401, MONDO:0017290.
Progressive familial intrahepatic cholestasis type 2. Identifiers: Orphanet 79304, MedGen C3489789, MONDO:0011156, OMIM 601847.

Submissions (2):

Genomenon, Inc
Classification: Pathogenic for Familial intrahepatic cholestasis. Last evaluated: 2026-04-14. Review status: criteria provided, single submitter. Criteria: Genomenon Sequence Variant Interpretation Standards - Updated. Collection method: curation. Allele origin: germline. Affected: yes.
Comment: ABCB11 p.Val368ArgfsTer27 (c.1101_1102del) is a frameshift variant that results in the production of a truncated protein which is predicted to undergo nonsense-mediated mRNA decay. This variant has been observed in at least one proband with an ABCB11-related disorder (PMID:18395098). It is absent or not present at a significant frequency in gnomAD. In conclusion, we classify ABCB11 p.Val368ArgfsTer27 (c.1101_1102del) as a pathogenic variant.

Broad Center for Mendelian Genomics, Broad Institute of MIT and Harvard
Classification: Pathogenic for Progressive familial intrahepatic cholestasis type 2. Last evaluated: 2025-01-29. Review status: criteria provided, single submitter. Criteria: ACMG Guidelines, 2015. Collection method: curation. Allele origin: germline. Inheritance: Autosomal recessive inheritance.
Comment: The p.Val368ArgfsTer27 variant in ABCB11 has been reported in 1 individual, in the compound heterozygous state, with BSEP deficiency (PMID: 18395098; Variation ID: 6590), and has been identified in 0.00009% (1/1175184) of European (non-Finnish) chromosomes by the Genome Aggregation Database (gnomAD; dbSNP rs1470131264). Although this variant has been seen in the general population in a heterozygous state, its frequency is low enough to be consistent with a recessive carrier frequency. This variant is predicted to cause a frameshift, which alters the protein‚Äôs amino acid sequence beginning at position 368 and leads to a premature termination codon 27 amino acids downstream. This alteration is then predicted to lead to a truncated or absent protein. Loss of function of the ABCB11 gene is an established disease mechanism in autosomal recessive BSEP deficiency. In summary, this variant meets criteria to be classified as pathogenic for autosomal recessive BSEP deficiency. ACMG/AMP criteria applied: PVS1, PM3_supporting, PM2_supporting (Richards 2015).

Literature cited by the submitters: PubMed 18395098 (cited by Genomenon, Inc).